The following is an entry in ClinVar:

NM_000214.3(JAG1):c.795C>G (p.Cys265Trp)

Gene: JAG1 (jagged canonical Notch ligand 1; minus strand). Cytogenetic location: 20p12.2.
Variant type: single nucleotide variant.
Coding change: c.795C>G on transcript NM_000214.3 (MANE Select); coding-DNA position 795, C replaced by G.
Protein change: p.Cys265Trp; replaces cysteine 265 with tryptophan.
Molecular consequence: missense variant.
Genome position (GRCh38, 1-based): chr20:10,652,559, G>C on the plus strand (C>G on the coding strand, the complement: JAG1 is on the minus strand). VCF-style: chr20-10652559-G-C. GRCh37 (hg19) VCF-style: chr20-10633207-G-C.
Other names: short protein forms C265W.
Identifiers: ClinVar variation 3573098 (VCV003573098.2).
Genomic context (GRCh38, chr20:10,652,559, plus strand): 5'-CTCACAGAGGCACTGCCAGGGCTCATTACAGATGCCGTGGACGCATCCCGGGTGTGGGAT[G>C]CACTTATCACAGTACAGGCCTTGCCAGCCGTACTGGCACCTGGAGACACACAGCACACCT-3'
Protein context (NP_000205.1, residues 255-275): YGWQGLYCDK[Cys265Trp]IPHPGCVHGI

Conditions:
Arteriohepatic dysplasia. Also called: Alagille Syndrome. Identifiers: Orphanet 52, MedGen C0085280, MeSH D016738, MONDO:0007318.

Submission:

Gilbert/Spinner Lab, Children's Hospital of Philadelphia
No classification provided (evidence only). Condition: Alagille syndrome. Review status: no classification provided. Collection method: research. Allele origin: not applicable. Functional consequence: functionally_abnormal.
ClinVar note: "not provided" was previously submitted as the classification for the variant. However, the classification appeared to be based only on an observation of functional data so it was converted to no classification on 2025-07-30.